The following is an entry in ClinVar:

NM_004415.4(DSP):c.3867G>T (p.Gln1289His)

Gene: DSP (desmoplakin; plus strand). Cytogenetic location: 6p24.3.
Variant type: single nucleotide variant.
Coding change: c.3867G>T on transcript NM_004415.4 (MANE Select); coding-DNA position 3867, G replaced by T.
Protein change: p.Gln1289His; replaces glutamine 1289 with histidine.
Molecular consequence: missense variant. On other transcripts: intron variant (1).
Genome position (GRCh38, 1-based): chr6:7,580,057, G>T. VCF-style: chr6-7580057-G-T. GRCh37 (hg19) VCF-style: chr6-7580290-G-T.
Other names: c.3867G>T, p.Gln1289His (NM_001319034.2); c.3582+285G>T (NM_001008844.3); short protein forms Q1289H.
Identifiers: ClinVar variation 4786649 (VCV004786649.1).
Genomic context (GRCh38, chr6:7,580,057, plus strand): 5'-AGCTGAAGAAAACGCCCTTCAGCAAAAGGCCTGTGGCTCTGAGATAATGCAGAAGAAGCA[G>T]CATCTGGAGATAGAACTGAAGCAGGTCATGCAGCAGCGCTCTGAGGACAATGCCCGGCAC-3'
Protein context (NP_004406.2, residues 1279-1299): ACGSEIMQKK[Gln1289His]HLEIELKQVM

ClinVar aggregate classification (germline): Uncertain significance (1 of 4 stars; one submission).

Conditions:
Arrhythmogenic cardiomyopathy with wooly hair and keratoderma. Also called: Carvajal syndrome; PALMOPLANTAR KERATODERMA WITH LEFT VENTRICULAR CARDIOMYOPATHY AND WOOLLY HAIR; Dilated cardiomyopathy with woolly hair and keratoderma; Arrhythmogenic cardiomyopathy with woolly hair and keratoderma. Identifiers: Orphanet 65282, MedGen C1854063, MONDO:0011581, OMIM 605676.
Arrhythmogenic right ventricular dysplasia 8 (ARVD8). Also called: Arrhythmogenic Right Ventricular Dysplasia/Cardiomyopathy 8; ARRHYTHMOGENIC RIGHT VENTRICULAR DYSPLASIA, FAMILIAL, 8; ARRHYTHMOGENIC RIGHT VENTRICULAR CARDIOMYOPATHY 8. Identifiers: MedGen C1843896, MONDO:0011831, OMIM 607450.

Submission:

Labcorp Genetics (formerly Invitae), Labcorp
Classification: Uncertain significance for Arrhythmogenic cardiomyopathy with wooly hair and keratoderma; Arrhythmogenic right ventricular dysplasia 8. Last evaluated: 2025-11-16. Review status: criteria provided, single submitter. Criteria: Invitae Variant Classification Sherloc (09022015). Collection method: clinical testing. Allele origin: germline.
Comment: This sequence change replaces glutamine, which is neutral and polar, with histidine, which is basic and polar, at codon 1289 of the DSP protein (p.Gln1289His). This variant is not present in population databases (gnomAD no frequency). This variant has not been reported in the literature in individuals affected with DSP-related conditions. An algorithm developed to predict the effect of missense changes on protein structure and function (PolyPhen-2) suggests that this variant is likely to be tolerated. In summary, the available evidence is currently insufficient to determine the role of this variant in disease. Therefore, it has been classified as a Variant of Uncertain Significance.